The following is an entry in ClinVar:

NM_005502.4(ABCA1):c.1423C>T (p.Gln475Ter)

Gene: ABCA1 (ATP binding cassette subfamily A member 1; minus strand). Cytogenetic location: 9q31.1.
Variant type: single nucleotide variant.
Coding change: c.1423C>T on transcript NM_005502.4 (MANE Select); coding-DNA position 1423, C replaced by T.
Protein change: p.Gln475Ter; replaces glutamine 475 with a stop codon.
Molecular consequence: nonsense.
Genome position (GRCh38, 1-based): chr9:104,832,660, G>A on the plus strand (C>T on the coding strand, the complement: ABCA1 is on the minus strand). VCF-style: chr9-104832660-G-A. GRCh37 (hg19) VCF-style: chr9-107594941-G-A.
Other names: short protein forms Q475*.
Identifiers: ClinVar variation 4849334 (VCV004849334.1).

ClinVar aggregate classification (germline): Likely pathogenic (1 of 4 stars; one submission).

Conditions:
Tangier disease (TGD). Also called: HIGH DENSITY LIPOPROTEIN DEFICIENCY, TANGIER TYPE; HIGH DENSITY LIPOPROTEIN DEFICIENCY, TYPE 1; Cholesterol thesaurismosis. Identifiers: Orphanet 31150, MedGen C0039292, MONDO:0008783, OMIM 205400.

Submission:

First Genomix Gene Laboratory, Genetic Diagnostics Department
Classification: Likely pathogenic for Tangier disease. Last evaluated: 2025-07-08. Review status: criteria provided, single submitter. Criteria: ACMG Guidelines, 2015. Collection method: clinical testing. Allele origin: germline. Inheritance: Autosomal recessive inheritance. Affected: no. Observed: 1 variant allele.